The following is an entry in ClinVar:

ClinVar aggregate classification (germline): Pathogenic (1 of 4 stars; one submission).

Conditions:
Deafness-lymphedema-leukemia syndrome. Also called: Emberger syndrome; Lymphedema, primary, with myelodysplasia. Identifiers: Orphanet 3226, MedGen C3279664, MONDO:0013540, OMIM 614038.
GATA2 deficiency with susceptibility to MDS/AML. Identifiers: MedGen CN300066, MONDO:0042982.

Submission:

Molecular Pathology Research Laboratory, SA Pathology
Classification: Pathogenic for GATA2 deficiency with susceptibility to MDS/AML; Deafness-lymphedema-leukemia syndrome. Last evaluated: 2021-07-06. Review status: criteria provided, single submitter. Criteria: ACMG Guidelines, 2015. Collection method: curation. Allele origin: germline. Inheritance: Autosomal dominant inheritance. Affected: yes. Observed: 1 variant allele.
Comment: PS3, PS4_Supporting, PM1, PM2, PP3

Literature cited by the submitters: PubMed 28066994.

NM_032638.5(GATA2):c.952G>A (p.Ala318Thr)

Gene: GATA2 (GATA binding protein 2; minus strand). Cytogenetic location: 3q21.3.
Variant type: single nucleotide variant.
Coding change: c.952G>A on transcript NM_032638.5 (MANE Select); coding-DNA position 952, G replaced by A.
Protein change: p.Ala318Thr; replaces alanine 318 with threonine.
Molecular consequence: missense variant.
Genome position (GRCh38, 1-based): chr3:128,483,925, C>T on the plus strand (G>A on the coding strand, the complement: GATA2 is on the minus strand). VCF-style: chr3-128483925-C-T. GRCh37 (hg19) VCF-style: chr3-128202768-C-T.
Other names: c.952G>A, p.Ala318Thr (NM_001145661.2, NM_001145662.1); short protein forms A318T.
Identifiers: ClinVar variation 1184147 (VCV001184147.1), dbSNP rs2107670401, ClinGen allele CA354404520.